The following is an entry in ClinVar:

NM_017849.4(TMEM127):c.112G>C (p.Ala38Pro)

Genes: TMEM127 (transmembrane protein 127; minus strand), LOC129934333 (ATAC-STARR-seq lymphoblastoid silent region 11759; plus strand). Cytogenetic location: 2q11.2.
Variant type: single nucleotide variant.
Coding change: c.112G>C on transcript NM_017849.4 (MANE Select); coding-DNA position 112, G replaced by C.
Protein change: p.Ala38Pro; replaces alanine 38 with proline.
Molecular consequence: missense variant.
Genome position (GRCh38, 1-based): chr2:96,265,270, C>G on the plus strand (G>C on the coding strand, the complement: TMEM127 is on the minus strand). VCF-style: chr2-96265270-C-G. GRCh37 (hg19) VCF-style: chr2-96931008-C-G.
Other names: c.112G>C, p.Ala38Pro (NM_001193304.3); short protein forms A38P.
Identifiers: ClinVar variation 1511205 (VCV001511205.6), dbSNP rs1456398772, ClinGen allele CA347656091.

ClinVar aggregate classification (germline): Uncertain significance (1 of 4 stars; one submission).

Conditions:
Hereditary pheochromocytoma and paraganglioma. Also called: Hereditary paragangliomas and pheochromocytomas; Hereditary Paraganglioma-Pheochromocytoma Syndromes; Hereditary pheochromocytoma-paraganglioma. Identifiers: Orphanet 29072, MedGen C4274332, MONDO:0017366.

Allele frequency attached by ClinVar (database versions not stated): gnomAD exomes below 0.00001.
gnomAD v4.1: 2 of 1,580,572 alleles (0.00013%); highest among the groups gnomAD compares: Non-Finnish European, 0.00017%; no homozygotes.

Submission:

Labcorp Genetics (formerly Invitae), Labcorp
Classification: Uncertain significance for Hereditary pheochromocytoma and paraganglioma. Last evaluated: 2021-08-08. Review status: criteria provided, single submitter. Criteria: Invitae Variant Classification Sherloc (09022015). Collection method: clinical testing. Allele origin: germline.
Comment: In summary, the available evidence is currently insufficient to determine the role of this variant in disease. Therefore, it has been classified as a Variant of Uncertain Significance. Algorithms developed to predict the effect of missense changes on protein structure and function are either unavailable or do not agree on the potential impact of this missense change (SIFT: "Tolerated"; PolyPhen-2: "Possibly Damaging"; Align-GVGD: "Class C0"). This sequence change replaces alanine with proline at codon 38 of the TMEM127 protein (p.Ala38Pro). The alanine residue is highly conserved and there is a small physicochemical difference between alanine and proline. This variant has not been reported in the literature in individuals affected with TMEM127-related conditions. This variant is not present in population databases (ExAC no frequency).